The following is an entry in ClinVar:

ClinVar aggregate classification (germline): Uncertain significance. Review status: criteria provided, multiple submitters, no conflicts (2 of 4 stars). 2 submissions from 2 submitters: Uncertain significance (2). Last evaluated 2025-04-23.

Conditions:
Hereditary cancer-predisposing syndrome. Also called: Neoplastic Syndromes, Hereditary; Tumor predisposition; Hereditary Cancer Syndrome; Hereditary neoplastic syndrome. Identifiers: Orphanet 140162, MedGen C0027672, MeSH D009386, MONDO:0015356.
Retinoblastoma (RB1). Also called: RETINOBLASTOMA, SOMATIC. Identifiers: Orphanet 790, MedGen C0035335, MeSH D012175, MONDO:0008380, OMIM 180200, HP:0009919. Disease mechanism: loss of function. Inheritance: Both sporadic and heritable forms are tested..

Submissions (2):

Labcorp Genetics (formerly Invitae), Labcorp
Classification: Uncertain significance for Retinoblastoma. Last evaluated: 2025-04-23. Review status: criteria provided, single submitter. Criteria: Invitae Variant Classification Sherloc (09022015). Collection method: clinical testing. Allele origin: germline.
Comment: This sequence change replaces isoleucine, which is neutral and non-polar, with valine, which is neutral and non-polar, at codon 273 of the RB1 protein (p.Ile273Val). This variant is not present in population databases (gnomAD no frequency). This variant has not been reported in the literature in individuals affected with RB1-related conditions. ClinVar contains an entry for this variant (Variation ID: 1762304). Invitae Evidence Modeling of protein sequence and biophysical properties (such as structural, functional, and spatial information, amino acid conservation, physicochemical variation, residue mobility, and thermodynamic stability) indicates that this missense variant is not expected to disrupt RB1 protein function with a negative predictive value of 80%. In summary, the available evidence is currently insufficient to determine the role of this variant in disease. Therefore, it has been classified as a Variant of Uncertain Significance.

Ambry Genetics
Classification: Uncertain significance for Hereditary cancer-predisposing syndrome. Last evaluated: 2022-01-04. Review status: criteria provided, single submitter. Criteria: Ambry Variant Classification Scheme 2023. Collection method: clinical testing. Allele origin: germline.
Comment: The p.I273V variant (also known as c.817A>G), located in coding exon 8 of the RB1 gene, results from an A to G substitution at nucleotide position 817. The isoleucine at codon 273 is replaced by valine, an amino acid with highly similar properties. This amino acid position is conserved. In addition, this alteration is predicted to be tolerated by in silico analysis. Since supporting evidence is limited at this time, the clinical significance of this alteration remains unclear.

NM_000321.3(RB1):c.817A>G (p.Ile273Val)

Gene: RB1 (RB transcriptional corepressor 1; plus strand). Cytogenetic location: 13q14.2.
Variant type: single nucleotide variant.
Coding change: c.817A>G on transcript NM_000321.3 (MANE Select); coding-DNA position 817, A replaced by G.
Protein change: p.Ile273Val; replaces isoleucine 273 with valine.
Molecular consequence: missense variant.
Genome position (GRCh38, 1-based): chr13:48,362,913, A>G. VCF-style: chr13-48362913-A-G. GRCh37 (hg19) VCF-style: chr13-48937049-A-G.
Other names: c.817A>G, p.Ile273Val (NM_001407165.1, NM_001407166.1); short protein forms I273V.
Identifiers: ClinVar variation 1762304 (VCV001762304.3), dbSNP rs2542182247, ClinGen allele CA388159555.